The following is an entry in ClinVar:

NM_000017.4(ACADS):c.1207G>A (p.Ala403Thr)

Gene: ACADS (acyl-CoA dehydrogenase short chain; plus strand). Cytogenetic location: 12q24.31.
Variant type: single nucleotide variant.
Coding change: c.1207G>A on transcript NM_000017.4 (MANE Select); coding-DNA position 1207, G replaced by A.
Protein change: p.Ala403Thr; replaces alanine 403 with threonine.
Molecular consequence: missense variant.
Genome position (GRCh38, 1-based): chr12:120,739,416, G>A. VCF-style: chr12-120739416-G-A. GRCh37 (hg19) VCF-style: chr12-121177219-G-A.
Other names: c.1195G>A, p.Ala399Thr (NM_001302554.2); short protein forms A403T, A399T.
Identifiers: ClinVar variation 834216 (VCV000834216.7), dbSNP rs556890619, ClinGen allele CA6831244.

ClinVar aggregate classification (germline): Uncertain significance (1 of 4 stars; one submission).

Conditions:
Deficiency of butyryl-CoA dehydrogenase (ACADSD). Also called: ACADS DEFICIENCY; Short-Chain Acyl-CoA Dehydrogenase Deficiency; SCADH DEFICIENCY; ACYL-CoA DEHYDROGENASE, SHORT-CHAIN, DEFICIENCY OF; SCAD Deficiency; SCAD DEFICIENCY, MILD. Identifiers: Orphanet 26792, MedGen C0342783, MONDO:0008722, OMIM 201470. Disease mechanism: May be benign.

Allele frequency attached by ClinVar (database versions not stated): gnomAD 0.00001 and 0.00004; TOPMed 0.00003; ExAC 0.00013; 1000 Genomes Project 30x 0.00016; gnomAD exomes 0.00016; 1000 Genomes Project 0.00020.
gnomAD v4.1: 138 of 1,611,762 alleles (0.0086%); highest among the groups gnomAD compares: South Asian, 0.12%; 1 homozygote.

Submission:

Labcorp Genetics (formerly Invitae), Labcorp
Classification: Uncertain significance for Deficiency of butyryl-CoA dehydrogenase. Last evaluated: 2021-08-28. Review status: criteria provided, single submitter. Criteria: Invitae Variant Classification Sherloc (09022015). Collection method: clinical testing. Allele origin: germline.
Comment: This sequence change replaces alanine with threonine at codon 403 of the ACADS protein (p.Ala403Thr). The alanine residue is highly conserved and there is a small physicochemical difference between alanine and threonine. This variant is present in population databases (rs556890619, ExAC 0.09%). This variant has not been reported in the literature in individuals affected with ACADS-related conditions. Algorithms developed to predict the effect of missense changes on protein structure and function are either unavailable or do not agree on the potential impact of this missense change (SIFT: "Deleterious"; PolyPhen-2: "Probably Damaging"; Align-GVGD: "Class C0"). In summary, the available evidence is currently insufficient to determine the role of this variant in disease. Therefore, it has been classified as a Variant of Uncertain Significance.